The following is an entry in ClinVar:

ClinVar aggregate classification (germline): Benign. Review status: criteria provided, multiple submitters, no conflicts (2 of 4 stars). 12 submissions from 12 submitters: Benign (9). 3 of the submissions do not count toward it. Last evaluated 2026-02-04.

Conditions:
Mucopolysaccharidosis, MPS-IV-A (MPS4A). Also called: MPS IVA; Mucopolysaccharidosis Type IVA; Morquio syndrome A, mild; MORQUIO A DISEASE; mucopolysaccharidosis type 4A; Mucopolysaccharidosis type IV A. Identifiers: Orphanet 309297, Orphanet 582, MedGen C0086651, MONDO:0009659, OMIM 253000.

Allele frequency attached by ClinVar (database versions not stated): ExAC 0.03154; gnomAD exomes 0.02432; gnomAD 0.10099 and 0.09429; TOPMed 0.10568; 1000 Genomes Project 30x 0.10743; 1000 Genomes Project 0.10383; ESP Exome Variant Server 0.10839.
gnomAD v4.1: 28,806 of 1,612,930 alleles (1.8%); highest among the groups gnomAD compares: African/African-American, 33%; 4,252 homozygotes.

Submissions (12):

Labcorp Genetics (formerly Invitae), Labcorp
Classification: Benign for Mucopolysaccharidosis, MPS-IV-A. Last evaluated: 2026-02-04. Review status: criteria provided, single submitter. Criteria: Invitae Variant Classification Sherloc (09022015). Collection method: clinical testing. Allele origin: germline.

Genome-Nilou Lab
Classification: Benign for Mucopolysaccharidosis, MPS-IV-A. Last evaluated: 2021-11-07. Review status: criteria provided, single submitter. Criteria: ACMG Guidelines, 2015. Collection method: clinical testing. Allele origin: germline. Affected: no.

Laboratory of Diagnosis and Therapy of Lysosomal Disorders, University of Padova
Classification: Benign for Mucopolysaccharidosis, MPS-IV-A. Last evaluated: 2021-02-01. Review status: criteria provided, single submitter. Criteria: ACMG Guidelines, 2015. Collection method: curation. Allele origin: germline. Affected: yes.
Comment: Allele frequency is >5% in gnomAD v2.1.1 (BA1); allele frequency is greater than expected for disorder (BS1_strong); multiple lines of computational evidence suggest no impact on gene or gene product (BP4_supporting)

Illumina Laboratory Services, Illumina
Classification: Benign for Mucopolysaccharidosis, MPS-IV-A. Last evaluated: 2018-01-12. Review status: criteria provided, single submitter. Criteria: ICSL Variant Classification Criteria 13 December 2019. Collection method: clinical testing. Allele origin: germline.
Comment: This variant was observed in the ICSL laboratory as part of a predisposition screen in an ostensibly healthy population. It had not been previously curated by ICSL or reported in the Human Gene Mutation Database (HGMD: prior to June 1st, 2018), and was therefore a candidate for classification through an automated scoring system. Utilizing variant allele frequency, disease prevalence and penetrance estimates, and inheritance mode, an automated score was calculated to assess if this variant is too frequent to cause the disease. Based on the score and internal cut-off values, a variant classified as benign is not then subjected to further curation. The score for this variant resulted in a classification of benign for this disease.

Women's Health and Genetics/Laboratory Corporation of America, LabCorp
Classification: Benign. Last evaluated: 2017-10-30. Review status: criteria provided, single submitter. Criteria: LabCorp Variant Classification Summary - May 2015. Collection method: clinical testing. Allele origin: germline.
Comment: Variant summary: The GALNS c.199C>A (p.Leu67Met) variant located in the Sulfatase, N-terminal (InterPro) involves the alteration of a conserved nucleotide and 5/5 in silico tools predict a benign outcome for this variant. This variant was found in 8588/274128 control chromosomes, predominantly observed in the African subpopulation at a frequency of 0.327481 (7722/23580). This frequency is about 160 times the estimated maximal expected allele frequency of a pathogenic GALNS variant (0.0020412), suggesting this is likely a benign polymorphism found primarily in the populations of African origin. A publication, Laradi_2006 found the variant of interest to co-occur with pathogenic GALNS variants. In addition, multiple clinical diagnostic laboratories classified this variant as benign. Taken together, this variant is classified as benign.

GeneDx
Classification: Benign. Last evaluated: 2015-05-20. Review status: criteria provided, single submitter. Criteria: GeneDx Variant Classification (06012015). Collection method: clinical testing. Allele origin: germline. Affected: yes.
Comment: This variant is considered likely benign or benign based on one or more of the following criteria: it is a conservative change, it occurs at a poorly conserved position in the protein, it is predicted to be benign by multiple in silico algorithms, and/or has population frequency not consistent with disease.

Eurofins Ntd Llc (ga)
Classification: Benign. Last evaluated: 2013-11-14. Review status: criteria provided, single submitter. Criteria: EGL Classification Definitions 2015. Collection method: clinical testing. Allele origin: germline. Observed: 3 variant alleles, 2 heterozygotes, 1 homozygote.

Breakthrough Genomics
Classification: Benign. Review status: criteria provided, single submitter. Criteria: ACMG Guidelines, 2015. Collection method: not provided. Allele origin: germline. Inheritance: Autosomal recessive inheritance. Affected: yes.

PreventionGenetics, part of Exact Sciences
Classification: Benign. Review status: criteria provided, single submitter. Criteria: ACMG Guidelines, 2015. Collection method: clinical testing. Allele origin: germline.

Mayo Clinic Laboratories, Mayo Clinic
Classification: Benign. Last evaluated: 2017-03-16. Review status: no assertion criteria provided. Collection method: clinical testing. Allele origin: unknown. Not counted in ClinVar's aggregate classification.

Clinical Genetics DNA and cytogenetics Diagnostics Lab, Erasmus MC, Erasmus Medical Center
Classification: Benign. Review status: no assertion criteria provided. Collection method: clinical testing. Allele origin: germline. Affected: yes. Study: VKGL Data-share Consensus. Not counted in ClinVar's aggregate classification.

Laboratory of Diagnostic Genome Analysis, Leiden University Medical Center (LUMC)
Classification: Likely benign. Review status: no assertion criteria provided. Collection method: clinical testing. Allele origin: germline. Affected: yes. Study: VKGL Data-share Consensus. Not counted in ClinVar's aggregate classification.

Literature cited by the submitters: PubMed 9298823 (cited by Laboratory of Diagnosis and Therapy of Lysosomal Disorders, University of Padova); PubMed 34387910 (cited by Laboratory of Diagnosis and Therapy of Lysosomal Disorders, University of Padova); PubMed 16378744 (cited by Women's Health and Genetics/Laboratory Corporation of America, LabCorp).

NM_000512.5(GALNS):c.199C>A (p.Leu67Met)

Gene: GALNS (galactosamine (N-acetyl)-6-sulfatase; minus strand). Cytogenetic location: 16q24.3.
Variant type: single nucleotide variant.
Coding change: c.199C>A on transcript NM_000512.5 (MANE Select); coding-DNA position 199, C replaced by A.
Protein change: p.Leu67Met; replaces leucine 67 with methionine.
Molecular consequence: missense variant. On other transcripts: intron variant (1).
Genome position (GRCh38, 1-based): chr16:88,842,751, G>T on the plus strand (C>A on the coding strand, the complement: GALNS is on the minus strand). VCF-style: chr16-88842751-G-T. GRCh37 (hg19) VCF-style: chr16-88909159-G-T.
Other names: c.217C>A, p.Leu73Met (NM_001323544.2); c.-311-780C>A (NM_001323543.2); short protein forms L67M, L73M.
Identifiers: ClinVar variation 93172 (VCV000093172.32), dbSNP rs11862754, ClinGen allele CA146717.